The following is an entry in ClinVar:

NM_000552.5(VWF):c.7549-3C>T

Gene: VWF (von Willebrand factor; minus strand). Cytogenetic location: 12p13.31.
Variant type: single nucleotide variant.
Coding change: c.7549-3C>T on transcript NM_000552.5 (MANE Select); 3 bases into the intron before coding-DNA position 7549, C replaced by T.
Molecular consequence: intron variant.
Genome position (GRCh38, 1-based): chr12:5,969,394, G>A on the plus strand (C>T on the coding strand, the complement: VWF is on the minus strand). VCF-style: chr12-5969394-G-A. GRCh37 (hg19) VCF-style: chr12-6078560-G-A.
Identifiers: ClinVar variation 4847700 (VCV004847700.1).
Genomic context (GRCh38, chr12:5,969,394, plus strand): 5'-CTCGGACACACTCATTGATGAGGCAGGGGTTCTCCGGGGAGGCCCACTGGGAGCCGACCT[G>A]CAGGGCACCAGAGTTAGTCCAACAAGCTGGGGCAGGGCTGGAGCCCAGGGTCCCATTGGG-3'

ClinVar aggregate classification (germline): Uncertain significance (1 of 4 stars; one submission).

gnomAD v4.1: 4 of 1,614,086 alleles (0.00025%); highest among the groups gnomAD compares: African/African-American, 0.0013%; no homozygotes.

Submission:

Women's Health and Genetics/Laboratory Corporation of America, LabCorp
Classification: Uncertain significance. Last evaluated: 2026-03-24. Review status: criteria provided, single submitter. Criteria: LabCorp Variant Classification Summary - May 2015. Collection method: clinical testing. Allele origin: germline.
Comment: Variant summary: VWF c.7549-3C>T alters a nucleotide located close to a canonical splice site and therefore could affect mRNA splicing, leading to a significantly altered protein sequence. Consensus agreement among computation tools predict no significant impact on normal splicing. However, these predictions have yet to be confirmed by functional studies. The variant allele was found at a frequency of 1.2e-05 in 250912 control chromosomes. The available data on variant occurrences in the general population are insufficient to allow any conclusion about variant significance. To our knowledge, no occurrence of c.7549-3C>T in individuals affected with VWF-related conditions and no experimental evidence demonstrating its impact on protein function have been reported. No submitters have cited clinical-significance assessments for this variant to ClinVar. Based on the evidence outlined above, the variant was classified as uncertain significance.